The following is an entry in ClinVar:

NM_001557.4(CXCR2):c.866G>A (p.Arg289His)

Gene: CXCR2 (C-X-C motif chemokine receptor 2; plus strand). Cytogenetic location: 2q35.
Variant type: single nucleotide variant.
Coding change: c.866G>A on transcript NM_001557.4 (MANE Select); coding-DNA position 866, G replaced by A.
Protein change: p.Arg289His; replaces arginine 289 with histidine.
Molecular consequence: missense variant.
Genome position (GRCh38, 1-based): chr2:218,135,667, G>A. VCF-style: chr2-218135667-G-A. GRCh37 (hg19) VCF-style: chr2-219000390-G-A.
Other names: c.866G>A, p.Arg289His (NM_001168298.2); c.866G>A (NM_001557.3); short protein forms R289H.
Identifiers: ClinVar variation 1449486 (VCV001449486.9), dbSNP rs186640530, ClinGen allele CA2101798.

ClinVar aggregate classification (germline): Uncertain significance. Review status: criteria provided, multiple submitters, no conflicts (2 of 4 stars). 2 submissions from 2 submitters: Uncertain significance (2). Last evaluated 2024-12-09.

Allele frequency attached by ClinVar (database versions not stated): ExAC 0.00005; gnomAD exomes 0.00008; TOPMed 0.00012; gnomAD 0.00015; 1000 Genomes Project 30x 0.00016; 1000 Genomes Project 0.00020.
gnomAD v4.1: 115 of 1,614,020 alleles (0.0071%); highest among the groups gnomAD compares: African/African-American, 0.023%; 1 homozygote.

Submissions (2):

Labcorp Genetics (formerly Invitae), Labcorp
Classification: Uncertain significance. Last evaluated: 2024-12-09. Review status: criteria provided, single submitter. Criteria: Invitae Variant Classification Sherloc (09022015). Collection method: clinical testing. Allele origin: germline.
Comment: This sequence change replaces arginine, which is basic and polar, with histidine, which is basic and polar, at codon 289 of the CXCR2 protein (p.Arg289His). This variant is present in population databases (rs186640530, gnomAD 0.03%). This variant has not been reported in the literature in individuals affected with CXCR2-related conditions. ClinVar contains an entry for this variant (Variation ID: 1449486). An algorithm developed to predict the effect of missense changes on protein structure and function (PolyPhen-2) suggests that this variant¬†is likely to be tolerated. In summary, the available evidence is currently insufficient to determine the role of this variant in disease. Therefore, it has been classified as a Variant of Uncertain Significance.

Ambry Genetics
Classification: Uncertain significance. Last evaluated: 2021-08-12. Review status: criteria provided, single submitter. Criteria: Ambry Variant Classification Scheme 2023. Collection method: clinical testing. Allele origin: germline.